The following is an entry in ClinVar:

ClinVar aggregate classification (germline): Uncertain significance (1 of 4 stars; one submission).

Conditions:
Cardiomyopathy, dilated, 2F (CMD2F). Identifiers: MedGen C5676917, MONDO:0030680, OMIM 619747.

Submission:

Neuberg Centre For Genomic Medicine, NCGM
Classification: Uncertain significance for Cardiomyopathy, dilated, 2F. Last evaluated: 2023-03-01. Review status: criteria provided, single submitter. Criteria: ACMG Guidelines, 2015. Collection method: clinical testing. Allele origin: germline. Inheritance: Autosomal recessive inheritance. Affected: yes.
Comment: The missense c.277G>C(p.Glu93Gln) variant in BAG5 gene has not been reported previously as a pathogenic variant nor a benign variant, to our knowledge. The p.Glu93Gln variant is novel (not in any individuals) in gnomAD Exomes and 1000 Genomes. This variant has not been reported to the ClinVar database. The amino acid change p.Glu93Gln in BAG5 is predicted as conserved by GERP++ and PhyloP across 100 vertebrates. The amino acid Glu at position 93 is changed to a Gln changing protein sequence and it might alter its composition and physico-chemical properties. For these reasons, this variant has been classified as a Variant of Uncertain Significance (VUS).

NM_001015048.3(BAG5):c.277G>C (p.Glu93Gln)

Gene: BAG5 (BAG cochaperone 5; minus strand). Cytogenetic location: 14q32.33.
Variant type: single nucleotide variant.
Coding change: c.277G>C on transcript NM_001015048.3 (MANE Select); coding-DNA position 277, G replaced by C.
Protein change: p.Glu93Gln; replaces glutamic acid 93 with glutamine.
Molecular consequence: missense variant.
Genome position (GRCh38, 1-based): chr14:103,560,888, C>G on the plus strand (G>C on the coding strand, the complement: BAG5 is on the minus strand). VCF-style: chr14-103560888-C-G. GRCh37 (hg19) VCF-style: chr14-104027225-C-G.
Other names: c.277G>C, p.Glu93Gln (NM_001015049.5, NM_004873.4); short protein forms E93Q.
Identifiers: ClinVar variation 2671659 (VCV002671659.1), dbSNP rs2507437075, ClinGen allele CA391110130.